The following is an entry in ClinVar:

NM_001077620.3(PRCD):c.65_66insTG (p.Val23fs)

Genes: CYGB (cytoglobin; minus strand), PRCD (photoreceptor disc component; plus strand). Cytogenetic location: 17q25.1.
Variant type: Insertion.
Coding change: c.65_66insTG on transcript NM_001077620.3 (MANE Select); coding-DNA positions 65 to 66, TG inserted.
Protein change: p.Val23fs; shifts the reading frame from valine 23.
Molecular consequence: frameshift variant.
Genome position: GRCh38 VCF-style: chr17-76540205-C-CGT. GRCh37 (hg19) VCF-style: chr17-74536287-C-CGT.
Other names: short protein forms V23fs.
Identifiers: ClinVar variation 1483483 (VCV001483483.4), dbSNP rs2143140305, ClinGen allele CA2573154984.

ClinVar aggregate classification (germline): Uncertain significance. Review status: criteria provided, multiple submitters, no conflicts (2 of 4 stars). 2 submissions from 2 submitters: Uncertain significance (2). Last evaluated 2022-09-09.

Submissions (2):

Blueprint Genetics
Classification: Uncertain significance. Last evaluated: 2022-09-09. Review status: criteria provided, single submitter. Criteria: ACMG Guidelines, 2015. Collection method: clinical testing. Allele origin: germline.

Labcorp Genetics (formerly Invitae), Labcorp
Classification: Uncertain significance. Last evaluated: 2021-10-21. Review status: criteria provided, single submitter. Criteria: Invitae Variant Classification Sherloc (09022015). Collection method: clinical testing. Allele origin: germline.
Comment: This sequence change creates a premature translational stop signal (p.Val23Glufs*32) in the PRCD gene. While this is not anticipated to result in nonsense mediated decay, it is expected to disrupt the last 32 amino acid(s) of the PRCD protein. This variant is not present in population databases (gnomAD no frequency). This premature translational stop signal has been observed in individual(s) with clinical features of retinitis pigmentosa (Invitae). Algorithms developed to predict the effect of sequence changes on RNA splicing suggest that this variant may create or strengthen a splice site. This variant disrupts a region of the PRCD protein in which other variant(s) (p.Ser38*) have been observed in individuals with PRCD-related conditions (PMID: 32036094). This suggests that this is a clinically significant region of the protein, and that variants that disrupt it are likely to be disease-causing. In summary, the available evidence is currently insufficient to determine the role of this variant in disease. Therefore, it has been classified as a Variant of Uncertain Significance.

Literature cited by the submitters: PubMed 32036094 (cited by Labcorp Genetics (formerly Invitae), Labcorp).